The following is an entry in ClinVar:

ClinVar aggregate classification (germline): Uncertain significance. Review status: criteria provided, multiple submitters, no conflicts (2 of 4 stars). 2 submissions from 2 submitters: Uncertain significance (2). Last evaluated 2025-11-26.

gnomAD v4.1: 28 of 1,610,702 alleles (0.0017%); highest among the groups gnomAD compares: Non-Finnish European, 0.0023%; no homozygotes.

Submissions (2):

Labcorp Genetics (formerly Invitae), Labcorp
Classification: Uncertain significance. Last evaluated: 2025-11-26. Review status: criteria provided, single submitter. Criteria: Invitae Variant Classification Sherloc (09022015). Collection method: clinical testing. Allele origin: germline.
Comment: This sequence change replaces proline, which is neutral and non-polar, with serine, which is neutral and polar, at codon 133 of the EXOC3L2 protein (p.Pro133Ser). This variant is present in population databases (rs759520899, gnomAD 0.006%). This variant has not been reported in the literature in individuals affected with EXOC3L2-related conditions. ClinVar contains an entry for this variant (Variation ID: 3276777). An algorithm developed to predict the effect of missense changes on protein structure and function (PolyPhen-2) suggests that this variant is likely to be disruptive. In summary, the available evidence is currently insufficient to determine the role of this variant in disease. Therefore, it has been classified as a Variant of Uncertain Significance.

Ambry Genetics
Classification: Uncertain significance. Last evaluated: 2024-05-13. Review status: criteria provided, single submitter. Criteria: Ambry Variant Classification Scheme 2023. Collection method: clinical testing. Allele origin: germline.

NM_001382422.1(EXOC3L2):c.1576C>T (p.Pro526Ser)

Gene: EXOC3L2 (exocyst complex component 3 like 2; minus strand). Cytogenetic location: 19q13.32.
Variant type: single nucleotide variant.
Coding change: c.1576C>T on transcript NM_001382422.1 (MANE Select); coding-DNA position 1576, C replaced by T.
Protein change: p.Pro526Ser; replaces proline 526 with serine.
Molecular consequence: missense variant.
Genome position (GRCh38, 1-based): chr19:45,227,669, G>A on the plus strand (C>T on the coding strand, the complement: EXOC3L2 is on the minus strand). VCF-style: chr19-45227669-G-A. GRCh37 (hg19) VCF-style: chr19-45730927-G-A.
Other names: NM_138568.3:c.397C>T; short protein forms P526S.
Identifiers: ClinVar variation 3276777 (VCV003276777.2).